The following is an entry in ClinVar:

ClinVar aggregate classification (germline): Uncertain significance. Review status: criteria provided, multiple submitters, no conflicts (2 of 4 stars). 3 submissions from 3 submitters: Uncertain significance (3). Last evaluated 2025-04-25.

Conditions:
Inborn genetic diseases. Identifiers: MedGen C0950123, MeSH D030342.
Junctional epidermolysis bullosa with pyloric atresia. Also called: APLASIA CUTIS CONGENITA WITH GASTROINTESTINAL ATRESIA; CARMI SYNDROME; EB-PA-ACC; ITGB4-Related Epidermolysis Bullosa with Pyloric Atresia; ITGA6-Related Epidermolysis Bullosa with Pyloric Atresia; EPIDERMOLYSIS BULLOSA, JUNCTIONAL 5B, WITH PYLORIC ATRESIA. Identifiers: Orphanet 79403, MedGen C5676875, MONDO:0009183, OMIM 226730.
Epidermolysis bullosa, junctional 5A, intermediate. Also called: EPIDERMOLYSIS BULLOSA, JUNCTIONAL 5A, GENERALIZED INTERMEDIATE; EPIDERMOLYSIS BULLOSA, JUNCTIONAL 5A, NON-HERLITZ TYPE. Identifiers: MedGen C5676956, MONDO:0030768, OMIM 619816.

Allele frequency attached by ClinVar (database versions not stated): gnomAD exomes 0.00001; ExAC 0.00002; TOPMed 0.00002; gnomAD 0.00003; 1000 Genomes Project 30x 0.00016; 1000 Genomes Project 0.00020.
gnomAD v4.1: 12 of 1,613,242 alleles (0.00074%); highest among the groups gnomAD compares: African/African-American, 0.015%; no homozygotes.

Submissions (3):

Ambry Genetics
Classification: Uncertain significance for Inborn genetic diseases. Last evaluated: 2025-04-25. Review status: criteria provided, single submitter. Criteria: Ambry Variant Classification Scheme 2023. Collection method: clinical testing. Allele origin: germline.

Fulgent Genetics
Classification: Uncertain significance for Junctional epidermolysis bullosa with pyloric atresia; Epidermolysis bullosa, junctional 5A, intermediate. Last evaluated: 2024-05-14. Review status: criteria provided, single submitter. Criteria: ACMG Guidelines, 2015. Collection method: clinical testing. Allele origin: germline.

GeneDx
Classification: Uncertain significance. Last evaluated: 2022-06-30. Review status: criteria provided, single submitter. Criteria: GeneDx Variant Classification Process June 2021. Collection method: clinical testing. Allele origin: germline. Affected: yes.
Comment: Has not been previously published as pathogenic or benign to our knowledge; In silico analysis supports that this missense variant does not alter protein structure/function

NM_000213.5(ITGB4):c.10C>T (p.Pro4Ser)

Gene: ITGB4 (integrin subunit beta 4; plus strand). Cytogenetic location: 17q25.1.
Variant type: single nucleotide variant.
Coding change: c.10C>T on transcript NM_000213.5 (MANE Select); coding-DNA position 10, C replaced by T.
Protein change: p.Pro4Ser; replaces proline 4 with serine.
Molecular consequence: missense variant.
Genome position (GRCh38, 1-based): chr17:75,724,713, C>T. VCF-style: chr17-75724713-C-T. GRCh37 (hg19) VCF-style: chr17-73720793-C-T.
Other names: c.10C>T (NM_001005731.1); c.10C>T, p.Pro4Ser (NM_001005619.2, NM_001005731.3, NM_001321123.2); short protein forms P4S.
Identifiers: ClinVar variation 1809938 (VCV001809938.3), dbSNP rs567076241, ClinGen allele CA8768511.
Genomic context (GRCh38, chr17:75,724,713, plus strand): 5'-GGCTGTGGAGGCCTCATGTGTCAATTGTTGCTGTTCTGCAGGAGGAAGAGGATGGCAGGG[C>T]CACGCCCCAGCCCATGGGCCAGGCTGCTCCTGGCAGCCTTGATCAGCGTCAGCCTCTCTG-3'
Protein context (NP_000204.3, residues 1-14): MAG[Pro4Ser]RPSPWARLLL